The following is an entry in ClinVar:

ClinVar aggregate classification (germline): Uncertain significance (1 of 4 stars; one submission).

Conditions:
Malignant hyperthermia, susceptibility to, 1 (MHS1). Also called: Anesthesia related hyperthermia; Malignant hyperpyrexia; Fulminating hyperpyrexia; Pharmacogenic myopathy; RYR1-Related Malignant Hyperthermia Susceptibility; Malignant hyperthermia suceptibility 1. Identifiers: Orphanet 423, MedGen C2930980, MONDO:0007783, OMIM 145600.

Submission:

All of Us Research Program, National Institutes of Health
Classification: Uncertain significance for Malignant hyperthermia, susceptibility to, 1. Last evaluated: 2024-09-23. Review status: criteria provided, single submitter. Criteria: ACMG Guidelines, 2015. Collection method: clinical testing. Allele origin: germline. Inheritance: Autosomal dominant inheritance. Observed: 1 variant allele, 1 heterozygote.
Comment: This study involves interpretation of variants in research participants for the purpose of population health screening. Participant phenotype was not available at the time of variant classification. Additional details can be found in publication PMID: 35346344, PMCID: PMC8962531

NM_000540.3(RYR1):c.4425G>A (p.Met1475Ile)

Gene: RYR1 (ryanodine receptor 1; plus strand). Cytogenetic location: 19q13.2.
Variant type: single nucleotide variant.
Coding change: c.4425G>A on transcript NM_000540.3 (MANE Select); coding-DNA position 4425, G replaced by A.
Protein change: p.Met1475Ile; replaces methionine 1475 with isoleucine.
Molecular consequence: missense variant.
Genome position (GRCh38, 1-based): chr19:38,477,841, G>A. VCF-style: chr19-38477841-G-A. GRCh37 (hg19) VCF-style: chr19-38968481-G-A.
Other names: c.4425G>A, p.Met1475Ile (NM_001042723.2); short protein forms M1475I.
Identifiers: ClinVar variation 3387711 (VCV003387711.1).